The following is an entry in ClinVar:

ClinVar aggregate classification (germline): Likely pathogenic. Review status: criteria provided, multiple submitters, no conflicts (2 of 4 stars). 3 submissions from 3 submitters: Likely pathogenic (2). 1 of the submissions does not count toward it. Last evaluated 2025-11-30.

Conditions:
Bardet-Biedl syndrome (BBS). Identifiers: Orphanet 110, MedGen C0752166, MONDO:0015229.
BBS5-related disorder. Also called: BBS5-related condition.
Cone dystrophy. Identifiers: Orphanet 1871, MedGen C0730290, MONDO:0000455.

Allele frequency attached by ClinVar (database versions not stated): gnomAD exomes below 0.00001 and 0.00001; TOPMed 0.00001; gnomAD 0.00002.
gnomAD v4.1: 10 of 1,611,848 alleles (0.00062%); highest among the groups gnomAD compares: East Asian, 0.0067%; no homozygotes.

Submissions (3):

Labcorp Genetics (formerly Invitae), Labcorp
Classification: Likely pathogenic for Bardet-Biedl syndrome. Last evaluated: 2025-11-30. Review status: criteria provided, single submitter. Criteria: Invitae Variant Classification Sherloc (09022015). Collection method: clinical testing. Allele origin: germline.
Comment: This sequence change replaces arginine, which is basic and polar, with cysteine, which is neutral and slightly polar, at codon 138 of the BBS5 protein (p.Arg138Cys). The frequency data for this variant in the population databases is considered unreliable, as metrics indicate poor data quality at this position in the gnomAD database. This missense change has been observed in individual(s) with clinical features of Bardet-Biedl syndrome (PMID: 28041643, 35835773, 38219857). ClinVar contains an entry for this variant (Variation ID: 437993). Invitae Evidence Modeling of protein sequence and biophysical properties (such as structural, functional, and spatial information, amino acid conservation, physicochemical variation, residue mobility, and thermodynamic stability) indicates that this missense variant is expected to disrupt BBS5 protein function with a positive predictive value of 80%. Algorithms developed to predict the effect of sequence changes on RNA splicing suggest that this variant may disrupt the consensus splice site. This variant disrupts the p.Arg138 amino acid residue in BBS5. Other variant(s) that disrupt this residue have been determined to be pathogenic (PMID: 22773737, 24400638). This suggests that this residue is clinically significant, and that variants that disrupt this residue are likely to be disease-causing. In summary, the currently available evidence indicates that the variant is pathogenic, but additional data are needed to prove that conclusively. Therefore, this variant has been classified as Likely Pathogenic.

PreventionGenetics, part of Exact Sciences
Classification: Likely pathogenic for BBS5-related condition. Last evaluated: 2022-08-20. Review status: criteria provided, single submitter. Criteria: ACMG Guidelines, 2015. Collection method: clinical testing. Allele origin: germline.
Comment: The BBS5 c.412C>T variant is predicted to result in the amino acid substitution p.Arg138Cys. This variant, along with two additional variants in BBS5, was reported in an individual with cone dystrophy (Supplementary Table S2, Carss et al. 2017. PubMed ID: 28041643). A different missense variant affecting the same amino acid residue (c.413G>A, p.Arg138His) was reported in the homozygous state in an individual with Bardet-Biedl syndrome (Sathya Priya et al. 2015. PubMed ID: 24400638). This variant is reported in 0.0057% of alleles in individuals of Latino descent in gnomAD. This variant is interpreted as likely pathogenic.

NIHR Bioresource Rare Diseases, University of Cambridge
Classification: Likely pathogenic for Cone-rod dystrophy. Last evaluated: 2015-01-01. Review status: no assertion criteria provided. Collection method: research. Allele origin: unknown. Affected: yes. Observed: 1 variant allele. Not counted in ClinVar's aggregate classification.

Literature cited by the submitters: PubMed 28041643 (cited by Labcorp Genetics (formerly Invitae), Labcorp and NIHR Bioresource Rare Diseases, University of Cambridge); PubMed 35835773 (cited by Labcorp Genetics (formerly Invitae), Labcorp); PubMed 38219857 (cited by Labcorp Genetics (formerly Invitae), Labcorp); PubMed 22773737 (cited by Labcorp Genetics (formerly Invitae), Labcorp); PubMed 24400638 (cited by Labcorp Genetics (formerly Invitae), Labcorp).

NM_152384.3(BBS5):c.412C>T (p.Arg138Cys)

Gene: BBS5 (Bardet-Biedl syndrome 5; plus strand). Cytogenetic location: 2q31.1.
Variant type: single nucleotide variant.
Coding change: c.412C>T on transcript NM_152384.3 (MANE Select); coding-DNA position 412, C replaced by T.
Protein change: p.Arg138Cys; replaces arginine 138 with cysteine.
Molecular consequence: missense variant.
Genome position (GRCh38, 1-based): chr2:169,492,899, C>T. VCF-style: chr2-169492899-C-T. GRCh37 (hg19) VCF-style: chr2-170349409-C-T.
Other names: short protein forms R138C.
Identifiers: ClinVar variation 437993 (VCV000437993.4), dbSNP rs1238632042, ClinGen allele CA349164655.